The following is an entry in ClinVar:

ClinVar aggregate classification (germline): Uncertain significance (1 of 4 stars; one submission).

gnomAD v4.1: 1 of 1,613,218 alleles (0.000062%); highest among the groups gnomAD compares: Non-Finnish European, 0.000085%; no homozygotes.

Submission:

Women's Health and Genetics/Laboratory Corporation of America, LabCorp
Classification: Uncertain significance. Last evaluated: 2025-12-02. Review status: criteria provided, single submitter. Criteria: LabCorp Variant Classification Summary - May 2015. Collection method: clinical testing. Allele origin: germline.
Comment: Variant summary: COL6A2 c.2080C>T (p.Leu694Phe) results in a non-conservative amino acid change located in the second von Willebrand factor type A domain (IPR002035) of the encoded protein sequence. Algorithms developed to predict the effect of missense changes on protein structure and function all suggest that this variant is likely to be disruptive. The variant was absent in 251022 control chromosomes. The available data on variant occurrences in the general population are insufficient to allow any conclusion about variant significance. To our knowledge, no occurrence of c.2080C>T in individuals affected with COL6A2-related conditions and no experimental evidence demonstrating its impact on protein function have been reported. No submitters have cited clinical-significance assessments for this variant to ClinVar. Based on the evidence outlined above, the variant was classified as uncertain significance.

NM_001849.4(COL6A2):c.2080C>T (p.Leu694Phe)

Gene: COL6A2 (collagen type VI alpha 2 chain; plus strand). Cytogenetic location: 21q22.3.
Variant type: single nucleotide variant.
Coding change: c.2080C>T on transcript NM_001849.4 (MANE Select); coding-DNA position 2080, C replaced by T.
Protein change: p.Leu694Phe; replaces leucine 694 with phenylalanine.
Molecular consequence: missense variant.
Genome position (GRCh38, 1-based): chr21:46,125,895, C>T. VCF-style: chr21-46125895-C-T. GRCh37 (hg19) VCF-style: chr21-47545809-C-T.
Other names: c.2080C>T, p.Leu694Phe (NM_058174.3, NM_058175.3); short protein forms L694F.
Identifiers: ClinVar variation 4688658 (VCV004688658.1).